The following is an entry in ClinVar:

NM_000059.4(BRCA2):c.6547G>C (p.Glu2183Gln)

Gene: BRCA2 (BRCA2 DNA repair associated; plus strand). Cytogenetic location: 13q13.1.
Variant type: single nucleotide variant.
Coding change: c.6547G>C on transcript NM_000059.4 (MANE Select); coding-DNA position 6547, G replaced by C.
Protein change: p.Glu2183Gln; replaces glutamic acid 2183 with glutamine.
Molecular consequence: missense variant.
Genome position (GRCh38, 1-based): chr13:32,340,902, G>C. VCF-style: chr13-32340902-G-C. GRCh37 (hg19) VCF-style: chr13-32915039-G-C.
Other names: c.6547G>C, p.Glu2183Gln (NM_001406719.1, NM_001406720.1); short protein forms E2183Q.
Identifiers: ClinVar variation 1754126 (VCV001754126.4), dbSNP rs397507866, ClinGen allele CA387789762.

ClinVar aggregate classification (germline): Conflicting classifications of pathogenicity. Review status: criteria provided, conflicting classifications (1 of 4 stars). 2 submissions from 2 submitters: Uncertain significance (1); Likely benign (1). Last evaluated 2023-03-23.

Conditions:
Hereditary cancer-predisposing syndrome. Also called: Neoplastic Syndromes, Hereditary; Tumor predisposition; Hereditary Cancer Syndrome; Hereditary neoplastic syndrome. Identifiers: Orphanet 140162, MedGen C0027672, MeSH D009386, MONDO:0015356.

Submissions (2):

University of Washington Department of Laboratory Medicine, University of Washington
Classification: Likely benign for Hereditary cancer-predisposing syndrome. Last evaluated: 2023-03-23. Review status: criteria provided, single submitter. Criteria: Dines et al. (Genet Med. 2020). Collection method: curation. Allele origin: germline.
Comment: Missense variant in a coldspot region where missense variants are very unlikely to be pathogenic (PMID:31911673).

BRCA2 exon 11 coldspot. Reclassification based on statistical prior probability.

Ambry Genetics
Classification: Uncertain significance for Hereditary cancer-predisposing syndrome. Last evaluated: 2022-01-14. Review status: criteria provided, single submitter. Criteria: Ambry Variant Classification Scheme 2023. Collection method: clinical testing. Allele origin: germline.
Comment: The p.E2183Q variant (also known as c.6547G>C), located in coding exon 10 of the BRCA2 gene, results from a G to C substitution at nucleotide position 6547. The glutamic acid at codon 2183 is replaced by glutamine, an amino acid with highly similar properties. This amino acid position is not well conserved in available vertebrate species. In addition, the in silico prediction for this alteration is inconclusive. Since supporting evidence is limited at this time, the clinical significance of this alteration remains unclear.